The following is an entry in ClinVar:

ClinVar aggregate classification (germline): Uncertain significance (1 of 4 stars; one submission).

Allele frequency attached by ClinVar (database versions not stated): ExAC 0.00002; TOPMed below 0.00001.
gnomAD v4.1: 8 of 1,605,068 alleles (0.0005%); highest among the groups gnomAD compares: South Asian, 0.0022%; no homozygotes.

Submission:

Labcorp Genetics (formerly Invitae), Labcorp
Classification: Uncertain significance. Last evaluated: 2025-03-23. Review status: criteria provided, single submitter. Criteria: Invitae Variant Classification Sherloc (09022015). Collection method: clinical testing. Allele origin: germline.
Comment: This sequence change replaces aspartic acid, which is acidic and polar, with glutamic acid, which is acidic and polar, at codon 1696 of the CACNA1D protein (p.Asp1696Glu). This variant is present in population databases (rs748990289, gnomAD 0.003%). This variant has not been reported in the literature in individuals affected with CACNA1D-related conditions. ClinVar contains an entry for this variant (Variation ID: 2989078). An algorithm developed to predict the effect of missense changes on protein structure and function outputs the following: PolyPhen-2: "Benign". The glutamic acid amino acid residue is found in multiple mammalian species, which suggests that this missense change does not adversely affect protein function. In summary, the available evidence is currently insufficient to determine the role of this variant in disease. Therefore, it has been classified as a Variant of Uncertain Significance.

NM_001128840.3(CACNA1D):c.5028T>A (p.Asp1676Glu)

Gene: CACNA1D (calcium voltage-gated channel subunit alpha1 D; plus strand). Cytogenetic location: 3p21.1.
Variant type: single nucleotide variant.
Coding change: c.5028T>A on transcript NM_001128840.3 (MANE Select); coding-DNA position 5028, T replaced by A.
Protein change: p.Asp1676Glu; replaces aspartic acid 1676 with glutamic acid.
Molecular consequence: missense variant.
Genome position (GRCh38, 1-based): chr3:53,800,353, T>A. VCF-style: chr3-53800353-T-A. GRCh37 (hg19) VCF-style: chr3-53834380-T-A.
Other names: c.5088T>A, p.Asp1696Glu (NM_000720.4); c.4983T>A, p.Asp1661Glu (NM_001128839.3); short protein forms D1661E, D1696E, D1676E.
Identifiers: ClinVar variation 2989078 (VCV002989078.3), dbSNP rs748990289, ClinGen allele CA2455058.